The following is an entry in ClinVar:

ClinVar aggregate classification (germline): Uncertain significance (1 of 4 stars; one submission).

Allele frequency attached by ClinVar (database versions not stated): gnomAD exomes below 0.00001.
gnomAD v4.1: 1 of 1,598,614 alleles (0.000063%); highest among the groups gnomAD compares: Non-Finnish European, 0.000085%; no homozygotes.

Submission:

Labcorp Genetics (formerly Invitae), Labcorp
Classification: Uncertain significance. Last evaluated: 2023-08-29. Review status: criteria provided, single submitter. Criteria: Invitae Variant Classification Sherloc (09022015). Collection method: clinical testing. Allele origin: germline.
Comment: In summary, the available evidence is currently insufficient to determine the role of this variant in disease. Therefore, it has been classified as a Variant of Uncertain Significance. Advanced modeling of protein sequence and biophysical properties (such as structural, functional, and spatial information, amino acid conservation, physicochemical variation, residue mobility, and thermodynamic stability) performed at Invitae indicates that this missense variant is not expected to disrupt NALCN protein function. This variant has not been reported in the literature in individuals affected with NALCN-related conditions. This variant is not present in population databases (gnomAD no frequency). This sequence change replaces aspartic acid, which is acidic and polar, with valine, which is neutral and non-polar, at codon 468 of the NALCN protein (p.Asp468Val).

NM_052867.4(NALCN):c.1403A>T (p.Asp468Val)

Gene: NALCN (sodium leak channel, non-selective; minus strand). Cytogenetic location: 13q33.1.
Variant type: single nucleotide variant.
Coding change: c.1403A>T on transcript NM_052867.4 (MANE Select); coding-DNA position 1403, A replaced by T.
Protein change: p.Asp468Val; replaces aspartic acid 468 with valine.
Molecular consequence: missense variant.
Genome position (GRCh38, 1-based): chr13:101,237,786, T>A on the plus strand (A>T on the coding strand, the complement: NALCN is on the minus strand). VCF-style: chr13-101237786-T-A. GRCh37 (hg19) VCF-style: chr13-101890137-T-A.
Other names: c.1403A>T, p.Asp468Val (NM_001350748.2, NM_001350749.2); c.1316A>T, p.Asp439Val (NM_001350750.2, NM_001350751.2); short protein forms D468V, D439V.
Identifiers: ClinVar variation 2744648 (VCV002744648.3), dbSNP rs2503029735, ClinGen allele CA388703048.